The following is an entry in ClinVar:

NM_002691.4(POLD1):c.686A>G (p.Gln229Arg)

Gene: POLD1 (DNA polymerase delta 1, catalytic subunit; plus strand). Cytogenetic location: 19q13.33.
Variant type: single nucleotide variant.
Coding change: c.686A>G on transcript NM_002691.4 (MANE Select); coding-DNA position 686, A replaced by G.
Protein change: p.Gln229Arg; replaces glutamine 229 with arginine.
Molecular consequence: missense variant. On other transcripts: non-coding transcript variant (1).
Genome position (GRCh38, 1-based): chr19:50,402,301, A>G. VCF-style: chr19-50402301-A-G. GRCh37 (hg19) VCF-style: chr19-50905558-A-G.
Other names: c.686A>G, p.Gln229Arg (NM_001256849.1, NM_001308632.1); short protein forms Q229R.
Identifiers: ClinVar variation 579319 (VCV000579319.11), dbSNP rs1021342807, ClinGen allele CA309599580.

ClinVar aggregate classification (germline): Conflicting classifications of pathogenicity. Review status: criteria provided, conflicting classifications (1 of 4 stars). 2 submissions from 2 submitters: Uncertain significance (1); Likely benign (1). Last evaluated 2025-09-13.

Conditions:
Hereditary cancer-predisposing syndrome. Also called: Tumor predisposition; Neoplastic Syndromes, Hereditary; Hereditary Cancer Syndrome; Hereditary neoplastic syndrome. Identifiers: Orphanet 140162, MedGen C0027672, MeSH D009386, MONDO:0015356.
POLD1-related polyposis and colorectal cancer syndrome (CRCS10). Also called: Colorectal cancer 10; COLORECTAL CANCER, SUSCEPTIBILITY TO, ON CHROMOSOME 19q; Colorectal cancer, susceptibility to, 10. Identifiers: Orphanet 220460, MedGen C2675481, MONDO:0012953, OMIM 612591.

Allele frequency attached by ClinVar (database versions not stated): gnomAD exomes 0.00001.
gnomAD v4.1: 20 of 1,610,580 alleles (0.0012%); highest among the groups gnomAD compares: Non-Finnish European, 0.0017%; no homozygotes.

Submissions (2):

Labcorp Genetics (formerly Invitae), Labcorp
Classification: Uncertain significance for POLD1-related polyposis and colorectal cancer syndrome. Last evaluated: 2025-09-13. Review status: criteria provided, single submitter. Criteria: Invitae Variant Classification Sherloc (09022015). Collection method: clinical testing. Allele origin: germline.
Comment: This sequence change replaces glutamine, which is neutral and polar, with arginine, which is basic and polar, at codon 229 of the POLD1 protein (p.Gln229Arg). This variant is not present in population databases (gnomAD no frequency). This variant has not been reported in the literature in individuals affected with POLD1-related conditions. ClinVar contains an entry for this variant (Variation ID: 579319). Invitae Evidence Modeling of protein sequence and biophysical properties (such as structural, functional, and spatial information, amino acid conservation, physicochemical variation, residue mobility, and thermodynamic stability) indicates that this missense variant is not expected to disrupt POLD1 protein function with a negative predictive value of 80%. In summary, the available evidence is currently insufficient to determine the role of this variant in disease. Therefore, it has been classified as a Variant of Uncertain Significance.

Ambry Genetics
Classification: Likely benign for Hereditary cancer-predisposing syndrome. Last evaluated: 2025-01-23. Review status: criteria provided, single submitter. Criteria: Ambry Variant Classification Scheme 2023. Collection method: clinical testing. Allele origin: germline.